The following is an entry in ClinVar:

NM_001131016.2(CIZ1):c.1035G>A (p.Ala345=)

Gene: CIZ1 (CDKN1A interacting zinc finger protein 1; minus strand). Cytogenetic location: 9q34.11.
Variant type: single nucleotide variant.
Coding change: c.1035G>A on transcript NM_001131016.2 (MANE Select); coding-DNA position 1035, G replaced by A.
Protein change: p.Ala345=; no amino-acid change (alanine 345 retained).
Molecular consequence: synonymous variant.
Genome position (GRCh38, 1-based): chr9:128,179,172, C>T on the plus strand (G>A on the coding strand, the complement: CIZ1 is on the minus strand). VCF-style: chr9-128179172-C-T. GRCh37 (hg19) VCF-style: chr9-130941451-C-T.
Other names: c.1035G>A, p.Ala345= (NM_001131015.2, NM_012127.3); c.1020G>A, p.Ala340= (NM_001131017.2); c.963G>A, p.Ala321= (NM_001131018.2); c.1125G>A, p.Ala375= (NM_001257975.2); c.732G>A, p.Ala244= (NM_001257976.2).
Identifiers: ClinVar variation 413836 (VCV000413836.17), dbSNP rs45536439, ClinGen allele CA5257388.
Genomic context (GRCh38, chr9:128,179,172, plus strand): 5'-CAGCTGTGGCTGCACCTGCTTCTGTTGCAGCACTAAGTGCTCTGGAGAGGTCTGTGTTTG[C>T]GCCTGCTTCTGCAGCTTTGGCTGCACCTGGGTGTCTGTGGATGGTATCCGCGGCTGAGTC-3'
Protein context (NP_001124488.1, residues 335-355): TQVQPKLQKQ[Ala345=]QTQTSPEHLV

ClinVar aggregate classification (germline): Benign. Review status: criteria provided, multiple submitters, no conflicts (2 of 4 stars). 4 submissions from 4 submitters: Benign (3). 1 of the submissions does not count toward it. Last evaluated 2026-02-02.

Conditions:
CIZ1-related disorder. Also called: CIZ1-related condition.
Dystonic disorder. Also called: Dystonia. Identifiers: MedGen C0013421, MONDO:0003441, HP:0001332.

Allele frequency attached by ClinVar (database versions not stated): gnomAD exomes 0.01065; ExAC 0.01282; 1000 Genomes Project 0.03474; 1000 Genomes Project 30x 0.03592; gnomAD 0.03849 and 0.04135; TOPMed 0.04268; ESP Exome Variant Server 0.04352.
gnomAD v4.1: 12,560 of 1,613,952 alleles (0.78%); highest among the groups gnomAD compares: African/African-American, 13%; 662 homozygotes.

Submissions (4):

Labcorp Genetics (formerly Invitae), Labcorp
Classification: Benign for Dystonic disorder. Last evaluated: 2026-02-02. Review status: criteria provided, single submitter. Criteria: Invitae Variant Classification Sherloc (09022015). Collection method: clinical testing. Allele origin: germline.

GeneDx
Classification: Benign. Last evaluated: 2018-07-14. Review status: criteria provided, single submitter. Criteria: GeneDx Variant Classification Process June 2021. Collection method: clinical testing. Allele origin: germline. Affected: yes.

Breakthrough Genomics
Classification: Benign. Review status: criteria provided, single submitter. Criteria: ACMG Guidelines, 2015. Collection method: not provided. Allele origin: germline. Inheritance: Unknown mechanism. Affected: yes.

PreventionGenetics, part of Exact Sciences
Classification: Benign for CIZ1-related condition. Last evaluated: 2020-01-03. Review status: no assertion criteria provided. Collection method: clinical testing. Allele origin: germline. Not counted in ClinVar's aggregate classification.
Comment: This variant is classified as benign based on ACMG/AMP sequence variant interpretation guidelines (Richards et al. 2015 PMID: 25741868, with internal and published modifications).